The following is an entry in ClinVar:

NM_001281775.3(ZMYND8):c.1465del (p.Leu489fs)

Gene: ZMYND8 (zinc finger MYND-type containing 8; minus strand). Cytogenetic location: 20q13.12.
Variant type: Deletion.
Coding change: c.1465del on transcript NM_001281775.3 (MANE Select); coding-DNA position 1465, one base deleted (C; older notation c.1465delC).
Protein change: p.Leu489fs; shifts the reading frame from leucine 489.
Molecular consequence: frameshift variant.
Genome position (GRCh38, 1-based): chr20:47,276,329, G deleted on the plus strand (C on the coding strand, the reverse complement: ZMYND8 is on the minus strand); the first of 2 consecutive G bases (chr20:47,276,329-47,276,330); deleting either gives the same sequence. VCF-style (leftmost placement, unchanged base first): chr20-47276328-AG-A. GRCh37 (hg19) VCF-style: chr20-45905072-AG-A.
Other names: c.1465del, p.Leu489fs (NM_001281776.3, NM_001281783.3, NM_012408.6 and 1 more transcripts); c.1390del, p.Leu464fs (NM_001281777.3, NM_001281778.3, NM_001281781.3 and 4 more transcripts); c.661del, p.Leu221fs (NM_001281779.3, NM_001281780.3); c.1486del, p.Leu496fs (NM_001363714.1); c.1405del, p.Leu469fs (NM_001363741.2, NM_001281772.3, NM_001281773.3 and 1 more transcripts); short protein forms L221fs, L464fs, L469fs, L489fs, L496fs.
Identifiers: ClinVar variation 4527714 (VCV004527714.2).

ClinVar aggregate classification (germline): Uncertain significance (1 of 4 stars; one submission).

Submission:

GeneDx
Classification: Uncertain significance. Last evaluated: 2025-12-04. Review status: criteria provided, single submitter. Criteria: GeneDx Variant Classification Process June 2021. Collection method: clinical testing. Allele origin: germline.
Comment: Frameshift variant predicted to result in protein truncation or nonsense mediated decay in a gene for which loss of function is a known mechanism of disease; Has not been previously published as pathogenic or benign to our knowledge